The following is an entry in ClinVar:

ClinVar aggregate classification (germline): Likely benign (1 of 4 stars; one submission).

Allele frequency attached by ClinVar (database versions not stated): gnomAD exomes 0.00001; ExAC 0.00002; TOPMed 0.00003; gnomAD 0.00005; ESP Exome Variant Server 0.00008.
gnomAD v4.1: 18 of 1,611,978 alleles (0.0011%); highest among the groups gnomAD compares: African/African-American, 0.021%; no homozygotes.

Submission:

CeGaT Center for Human Genetics Tuebingen
Classification: Likely benign. Last evaluated: 2023-04-01. Review status: criteria provided, single submitter. Criteria: CeGaT Center For Human Genetics Tuebingen Variant Classification Criteria Version 2. Collection method: clinical testing. Allele origin: germline. Affected: yes. Observed: 1 variant allele.
Comment: CSMD3: BP4, BP7

NM_198123.2(CSMD3):c.4315C>T (p.Leu1439=)

Gene: CSMD3 (CUB and Sushi multiple domains 3; minus strand). Cytogenetic location: 8q23.3.
Variant type: single nucleotide variant.
Coding change: c.4315C>T on transcript NM_198123.2 (MANE Select); coding-DNA position 4315, C replaced by T.
Protein change: p.Leu1439=; no amino-acid change (leucine 1439 retained).
Molecular consequence: synonymous variant.
Genome position (GRCh38, 1-based): chr8:112,552,640, G>A on the plus strand (C>T on the coding strand, the complement: CSMD3 is on the minus strand). VCF-style: chr8-112552640-G-A. GRCh37 (hg19) VCF-style: chr8-113564869-G-A.
Other names: c.3925C>T, p.Leu1309= (NM_001363185.1); c.4003C>T, p.Leu1335= (NM_052900.3); c.4195C>T, p.Leu1399= (NM_198124.2).
Identifiers: ClinVar variation 2658762 (VCV002658762.24), dbSNP rs144456831, ClinGen allele CA4850195.